The following is an entry in ClinVar:

NM_005475.3(SH2B3):c.1148dup (p.Pro383_Asp384insTer)

Gene: SH2B3 (SH2B adaptor protein 3; plus strand). Cytogenetic location: 12q24.12.
Variant type: Duplication.
Coding change: c.1148dup on transcript NM_005475.3 (MANE Select); coding-DNA position 1148, one base duplicated (C; older notation c.1148dupC).
Protein change: p.Pro383_Asp384insTer.
Molecular consequence: frameshift variant.
Genome position (GRCh38, 1-based): chr12:111,447,456, C duplicated; the last of 3 consecutive C bases (chr12:111,447,454-111,447,456); duplicating any one gives the same sequence. VCF-style (leftmost placement, unchanged base first): chr12-111447453-G-GC. GRCh37 (hg19) VCF-style: chr12-111885257-G-GC.
Other names: c.542dup, p.Pro181_Asp182insTer (NM_001291424.1).
Identifiers: ClinVar variation 4531382 (VCV004531382.1).

ClinVar aggregate classification (germline): Pathogenic (1 of 4 stars; one submission).

Conditions:
Juvenile myelomonocytic leukemia (JMML). Also called: LEUKEMIA, JUVENILE MYELOMONOCYTIC, SOMATIC. Identifiers: Orphanet 86834, MedGen C0349639, MONDO:0011908, OMIM 607785, HP:0012209.

Submission:

Victorian Clinical Genetics Services, Murdoch Childrens Research Institute
Classification: Pathogenic for Juvenile myelomonocytic leukemia. Last evaluated: 2025-02-21. Review status: criteria provided, single submitter. Criteria: ACMG Guidelines, 2015. Collection method: clinical testing. Allele origin: germline. Affected: yes.
Comment: This variant is classified as Pathogenic. Evidence in support of pathogenic classification: Variant is predicted to cause nonsense-mediated decay (NMD) and loss of protein (premature termination codon is located at least 54 nucleotides upstream of the final exon-exon junction); Variant is present in gnomAD <0.01 (v4: 1 heterozygote(s), 0 homozygote(s)). Additional information: This variant is heterozygous; This gene is associated with both recessive and dominant disease. Bi-allelic loss of function germline variants are associated with juvenile myelomonocytic leukemia (MONDO:0011908), SH2B3-related (PMID: 37206266). In addition, germline variants in this gene are associated with predisposition to haematological malignancies (PMIDs: 26457647, 23908464, 31102422, 31173385); This variant has no previous evidence of pathogenicity; No published segregation evidence has been identified for this variant; No published functional evidence has been identified for this variant; Other NMD-predicted variant(s) comparable to the one identified in this case have conflicting previous evidence for pathogenicity. NMD-predicted variants have previously been reported in somatic and germline cases with mixed interpretations (ClinVar, PMIDs: 26457647, 23908464, 37206266); Loss of function is a known mechanism of disease in this gene (OMIM, PMID: 37206266); Inheritance information for this variant is not currently available in this individual.

Literature cited by the submitters: PubMed 23908464; PubMed 37206266; PubMed 26457647; PubMed 31173385; PubMed 31102422.